The following is an entry in ClinVar:

ClinVar aggregate classification (germline): Pathogenic (1 of 4 stars; one submission).

Conditions:
Joubert syndrome. Also called: JOUBERT-BOLTSHAUSER SYNDROME; Familial aplasia of the vermis; CEREBELLOPARENCHYMAL DISORDER IV. Identifiers: Orphanet 475, MedGen C5979921, MONDO:0018772.

Submission:

Labcorp Genetics (formerly Invitae), Labcorp
Classification: Pathogenic for Joubert syndrome. Last evaluated: 2016-09-25. Review status: criteria provided, single submitter. Criteria: Invitae Variant Classification Sherloc (09022015). Collection method: clinical testing. Allele origin: germline.
Comment: This variant is a gross deletion of the genomic region encompassing exons 15-17 of the AHI1 gene. This creates a premature translational stop signal and is expected to result in an absent or disrupted protein product. Loss-of-function variants, including gross deletions, in AHI1 are known to be pathogenic. A similar deletion of exons 15-17 has been reported in the literature in a family affected with Joubert or Meckel-Gruber syndrome (PMID: 26729329). Deletion of exons 15-17 is also known as deletion of exons 14-16 in the literature. For these reasons, this variant has been classified as Pathogenic.

NC_000006.12:g.(?_135429882)_(135433256_?)del

Gene: AHI1 (Abelson helper integration site 1; minus strand). Cytogenetic location: 6q23.3.
Variant type: Deletion.
Identifiers: ClinVar variation 417415 (VCV000417415.1).